The following is an entry in ClinVar:

ClinVar aggregate classification (germline): Likely benign (0 of 4 stars; one submission).

Conditions:
MFF-related disorder. Also called: MFF-related condition.

Allele frequency attached by ClinVar (database versions not stated): ExAC 0.00001; gnomAD 0.00003; TOPMed 0.00004.

Submission:

PreventionGenetics, part of Exact Sciences
Classification: Likely benign for MFF-related condition. Last evaluated: 2020-04-28. Review status: no assertion criteria provided. Collection method: clinical testing. Allele origin: germline.
Comment: This variant is classified as likely benign based on ACMG/AMP sequence variant interpretation guidelines (Richards et al. 2015 PMID: 25741868, with internal and published modifications).

NM_001277062.2(MFF):c.648T>C (p.His216=)

Gene: MFF (mitochondrial fission factor; plus strand). Cytogenetic location: 2q36.3.
Variant type: single nucleotide variant.
Coding change: c.648T>C on transcript NM_001277062.2 (MANE Select); coding-DNA position 648, T replaced by C.
Protein change: p.His216=; no amino-acid change (histidine 216 retained).
Molecular consequence: synonymous variant. On other transcripts: intron variant (4).
Genome position (GRCh38, 1-based): chr2:227,352,562, T>C. VCF-style: chr2-227352562-T-C. GRCh37 (hg19) VCF-style: chr2-228217278-T-C.
Other names: c.801T>C, p.His267= (NM_001277061.2, NM_020194.5); c.489T>C, p.His163= (NM_001277064.2); c.531T>C, p.His177= (NM_001277068.1); c.516-3115T>C (NM_001277063.2); c.441-3115T>C (NM_001277065.2, NM_001277066.2); c.450-3115T>C (NM_001277067.1).
Identifiers: ClinVar variation 3055015 (VCV003055015.2), dbSNP rs750436824, ClinGen allele CA2148025.